The following is an entry in ClinVar:

NM_138694.4(PKHD1):c.2407+2T>C

Gene: PKHD1 (PKHD1 ciliary IPT domain containing fibrocystin/polyductin; minus strand). Cytogenetic location: 6p12.2.
Variant type: single nucleotide variant.
Coding change: c.2407+2T>C on transcript NM_138694.4 (MANE Select); the canonical splice donor site of the intron after coding-DNA position 2407, T replaced by C.
Molecular consequence: splice donor variant.
Genome position (GRCh38, 1-based): chr6:52,048,490, A>G on the plus strand (T>C on the coding strand, the complement: PKHD1 is on the minus strand). VCF-style: chr6-52048490-A-G. GRCh37 (hg19) VCF-style: chr6-51913288-A-G.
Other names: c.2407+2T>C (NM_170724.3).
Identifiers: ClinVar variation 4816606 (VCV004816606.1).

ClinVar aggregate classification (germline): Pathogenic (1 of 4 stars; one submission).

Conditions:
Autosomal recessive polycystic kidney disease (ARPKD). Also called: AR polycystic kidney disease. Identifiers: Orphanet 731, Orphanet 8378, MedGen C0085548, MeSH D017044, MONDO:0009889.

Submission:

Natera, Inc.
Classification: Pathogenic for Autosomal recessive polycystic kidney disease. Last evaluated: 2025-11-14. Review status: criteria provided, single submitter. Criteria: Natera Variant Classification Schema (03/2026). Collection method: clinical testing. Allele origin: germline.
Comment: The c.2407+2T>C variant in PKHD1 is a canonical splice donor site variant predicted to affect pre-mRNA splicing, which may result in an abnormal transcript and altered protein product. This variant is expected to result in nonsense mediated decay, truncation, or a dysfunctional protein product. This variant is rare in the general population with a frequency below the threshold expected for the associated phenotype(s). Another variant at this same site results in an alteration predicted to cause a similar molecular effect has been observed in individual(s) with the associated phenotype. Given the available evidence, this variant is classified as Pathogenic.